The following is an entry in ClinVar:

NM_001033855.3(DCLRE1C):c.*848A>G

Gene: DCLRE1C (DNA cross-link repair 1C; minus strand). Cytogenetic location: 10p13.
Variant type: single nucleotide variant.
Coding change: c.*848A>G on transcript NM_001033855.3 (MANE Select); 848 bases downstream of the stop codon, A replaced by G.
Molecular consequence: 3 prime UTR variant. On other transcripts: non-coding transcript variant (3), intron variant (3).
Genome position (GRCh38, 1-based): chr10:14,907,560, T>C on the plus strand (A>G on the coding strand, the complement: DCLRE1C is on the minus strand). VCF-style: chr10-14907560-T-C. GRCh37 (hg19) VCF-style: chr10-14949559-T-C.
Other names: c.*848A>G (NM_001033857.3, NM_001033858.3, NM_001289076.2 and 4 more transcripts); c.1437+1145A>G (NM_001350966.2); c.1782+1145A>G (NM_001350965.2); c.1422+1145A>G (NM_001350967.2).
Identifiers: ClinVar variation 299286 (VCV000299286.5), dbSNP rs41300684, ClinGen allele CA10631253.

ClinVar aggregate classification (germline): Benign (1 of 4 stars; one submission).

Conditions:
Histiocytic medullary reticulosis. Also called: SEVERE COMBINED IMMUNODEFICIENCY WITH HYPEREOSINOPHILIA; Omenn syndrome. Identifiers: Orphanet 39041, MedGen C2700553, MONDO:0011338, OMIM 603554.

Allele frequency attached by ClinVar (database versions not stated): gnomAD 0.00950 and 0.01016; TOPMed 0.01029; 1000 Genomes Project 0.01158; 1000 Genomes Project 30x 0.01280.
gnomAD v4.1: 1,428 of 152,212 alleles (0.94%); highest among the groups gnomAD compares: African/African-American, 3.3%; 28 homozygotes.

Submission:

Illumina Laboratory Services, Illumina
Classification: Benign for Histiocytic medullary reticulosis. Last evaluated: 2018-01-12. Review status: criteria provided, single submitter. Criteria: ICSL Variant Classification Criteria 13 December 2019. Collection method: clinical testing. Allele origin: germline.
Comment: This variant was observed in the ICSL laboratory as part of a predisposition screen in an ostensibly healthy population. It had not been previously curated by ICSL or reported in the Human Gene Mutation Database (HGMD: prior to June 1st, 2018), and was therefore a candidate for classification through an automated scoring system. Utilizing variant allele frequency, disease prevalence and penetrance estimates, and inheritance mode, an automated score was calculated to assess if this variant is too frequent to cause the disease. Based on the score and internal cut-off values, a variant classified as benign is not then subjected to further curation. The score for this variant resulted in a classification of benign for this disease.